The following is an entry in ClinVar:

NM_001377.3(DYNC2H1):c.6689A>G (p.Tyr2230Cys)

Gene: DYNC2H1 (dynein cytoplasmic 2 heavy chain 1; plus strand). Cytogenetic location: 11q22.3.
Variant type: single nucleotide variant.
Coding change: c.6689A>G on transcript NM_001377.3 (MANE Select); coding-DNA position 6689, A replaced by G.
Protein change: p.Tyr2230Cys; replaces tyrosine 2230 with cysteine.
Molecular consequence: missense variant.
Genome position (GRCh38, 1-based): chr11:103,186,297, A>G. VCF-style: chr11-103186297-A-G. GRCh37 (hg19) VCF-style: chr11-103057026-A-G.
Other names: c.6689A>G, p.Tyr2230Cys (NM_001080463.2); short protein forms Y2230C.
Identifiers: ClinVar variation 4744904 (VCV004744904.1).

ClinVar aggregate classification (germline): Uncertain significance (1 of 4 stars; one submission).

Conditions:
Jeune thoracic dystrophy. Also called: Jeune syndrome; Infantile thoracic dystrophy; Thoracic pelvic phalangeal dystrophy; Jeune's syndrome; Chondroectodermal dysplasia-like syndrome; Short-rib thoracic dysplasia. Identifiers: Orphanet 474, MedGen C0265275, MONDO:0018770.

gnomAD v4.1: 9 of 1,612,396 alleles (0.00056%); highest among the groups gnomAD compares: African/African-American, 0.0094%; no homozygotes.

Submission:

Labcorp Genetics (formerly Invitae), Labcorp
Classification: Uncertain significance for Jeune thoracic dystrophy. Last evaluated: 2025-03-20. Review status: criteria provided, single submitter. Criteria: Invitae Variant Classification Sherloc (09022015). Collection method: clinical testing. Allele origin: germline.
Comment: This sequence change replaces tyrosine, which is neutral and polar, with cysteine, which is neutral and slightly polar, at codon 2230 of the DYNC2H1 protein (p.Tyr2230Cys). This variant is present in population databases (rs373880026, gnomAD 0.02%). This variant has not been reported in the literature in individuals affected with DYNC2H1-related conditions. Invitae Evidence Modeling of protein sequence and biophysical properties (such as structural, functional, and spatial information, amino acid conservation, physicochemical variation, residue mobility, and thermodynamic stability) has been performed for this missense variant. However, the output from this modeling did not meet the statistical confidence thresholds required to predict the impact of this variant on DYNC2H1 protein function. In summary, the available evidence is currently insufficient to determine the role of this variant in disease. Therefore, it has been classified as a Variant of Uncertain Significance.